The following is an entry in ClinVar:

ClinVar aggregate classification (germline): Uncertain significance (1 of 4 stars; one submission).

Conditions:
CREBBP-related disorder. Also called: CREBBP-related condition; CREBBP-related disorders.

Submission:

PreventionGenetics, part of Exact Sciences
Classification: Uncertain significance for CREBBP-related condition. Last evaluated: 2022-10-19. Review status: criteria provided, single submitter. Criteria: ACMG Guidelines, 2015. Collection method: clinical testing. Allele origin: germline.
Comment: The CREBBP c.2477G>T variant is predicted to result in the amino acid substitution p.Gly826Val. To our knowledge, this variant has not been reported in the literature or in a large population database, indicating this variant is rare. At this time, the clinical significance of this variant is uncertain due to the absence of conclusive functional and genetic evidence.

NM_004380.3(CREBBP):c.2477G>T (p.Gly826Val)

Gene: CREBBP (CREB binding lysine acetyltransferase; minus strand). Cytogenetic location: 16p13.3.
Variant type: single nucleotide variant.
Coding change: c.2477G>T on transcript NM_004380.3 (MANE Select); coding-DNA position 2477, G replaced by T.
Protein change: p.Gly826Val; replaces glycine 826 with valine.
Molecular consequence: missense variant.
Genome position (GRCh38, 1-based): chr16:3,770,973, C>A on the plus strand (G>T on the coding strand, the complement: CREBBP is on the minus strand). VCF-style: chr16-3770973-C-A. GRCh37 (hg19) VCF-style: chr16-3820974-C-A.
Other names: c.2363G>T, p.Gly788Val (NM_001079846.1); short protein forms G788V, G826V.
Identifiers: ClinVar variation 2637259 (VCV002637259.1), dbSNP rs2141204723, ClinGen allele CA394551989.